The following is an entry in ClinVar:

ClinVar aggregate classification (germline): Uncertain significance (1 of 4 stars; one submission).

Conditions:
Developmental and epileptic encephalopathy, 12 (DEE12). Identifiers: MedGen C3150988, MONDO:0013389, OMIM 613722.

Submission:

Labcorp Genetics (formerly Invitae), Labcorp
Classification: Uncertain significance for Developmental and epileptic encephalopathy, 12. Last evaluated: 2020-08-15. Review status: criteria provided, single submitter. Criteria: Invitae Variant Classification Sherloc (09022015). Collection method: clinical testing. Allele origin: germline.
Comment: This variant is not present in population databases (ExAC no frequency). This variant, c.1514_1516del, results in the deletion of 1 amino acid(s) of the PLCB1 protein (p.Gly505del), but otherwise preserves the integrity of the reading frame. This variant has not been reported in the literature in individuals with PLCB1-related conditions. Algorithms developed to predict the effect of sequence changes on RNA splicing suggest that this variant may disrupt the consensus splice site, but this prediction has not been confirmed by published transcriptional studies. In summary, the available evidence is currently insufficient to determine the role of this variant in disease. Therefore, it has been classified as a Variant of Uncertain Significance.

NC_000020.11:g.8722354_8722356del

Gene: PLCB1 (phospholipase C beta 1; plus strand). Cytogenetic location: 20p12.3.
Variant type: Deletion.
Genome position: GRCh38 VCF-style: chr20-8722351-CAGG-C. GRCh37 (hg19) VCF-style: chr20-8702998-CAGG-C.
Identifiers: ClinVar variation 1035209 (VCV001035209.9), dbSNP rs1979690177, ClinGen allele CA2349020310.